The following is an entry in ClinVar:

NM_001367624.2(ZNF469):c.9191T>C (p.Phe3064Ser)

Gene: ZNF469 (zinc finger protein 469; plus strand). Cytogenetic location: 16q24.2.
Variant type: single nucleotide variant.
Coding change: c.9191T>C on transcript NM_001367624.2 (MANE Select); coding-DNA position 9191, T replaced by C.
Protein change: p.Phe3064Ser; replaces phenylalanine 3064 with serine.
Molecular consequence: missense variant.
Genome position (GRCh38, 1-based): chr16:88,436,661, T>C. VCF-style: chr16-88436661-T-C. GRCh37 (hg19) VCF-style: chr16-88503069-T-C.
Other names: p.Phe3064Ser; NM_001127464.1:c.9107T>C; short protein forms F3064S.
Identifiers: ClinVar variation 4542075 (VCV004542075.2).
Genomic context (GRCh38, chr16:88,436,661, plus strand): 5'-CGGACTTTGAGGTGCTCAGCACCAAGTTTGAGATGCAAGACCTGTGCTTTCTGGGACCCT[T>C]TGAAGACCCCGTGGGTCTCCCCGGCCCCAGCTTCTTAGACTTCGAGGGCACGGCGAGCTC-3'
Protein context (NP_001354553.1, residues 3054-3074): EMQDLCFLGP[Phe3064Ser]EDPVGLPGPS

ClinVar aggregate classification (germline): Uncertain significance. Review status: criteria provided, multiple submitters, no conflicts (2 of 4 stars). 2 submissions from 2 submitters: Uncertain significance (2). Last evaluated 2026-07-04.

Conditions:
Cardiovascular phenotype. Identifiers: MedGen CN230736.

gnomAD v4.1: 9 of 1,550,254 alleles (0.00058%); highest among the groups gnomAD compares: Admixed American, 0.0039%; no homozygotes.

Submissions (2):

Ambry Genetics
Classification: Uncertain significance for Cardiovascular phenotype. Last evaluated: 2026-07-04. Review status: criteria provided, single submitter. Criteria: Ambry Variant Classification Scheme 2023. Collection method: clinical testing. Allele origin: germline.
Comment: The p.F3036S variant (also known as c.9107T>C), located in coding exon 2 of the ZNF469 gene, results from a T to C substitution at nucleotide position 9107. The phenylalanine at codon 3036 is replaced by serine, an amino acid with highly dissimilar properties. This amino acid position is conserved. In addition, this alteration is predicted to be tolerated by in silico analysis. Based on the available evidence, the clinical significance of this variant remains unclear.

Mayo Clinic Laboratories, Mayo Clinic
Classification: Uncertain significance. Last evaluated: 2025-04-23. Review status: criteria provided, single submitter. Criteria: ACMG Guidelines, 2015. Collection method: clinical testing. Allele origin: germline. Observed: 1 variant allele.
Comment: BP4_moderate, PM2_supporting